The following is an entry in ClinVar:

NM_000539.3(RHO):c.703G>A (p.Ala235Thr)

Gene: RHO (rhodopsin; plus strand). Cytogenetic location: 3q22.1.
Variant type: single nucleotide variant.
Coding change: c.703G>A on transcript NM_000539.3 (MANE Select); coding-DNA position 703, G replaced by A.
Protein change: p.Ala235Thr; replaces alanine 235 with threonine.
Molecular consequence: missense variant.
Genome position (GRCh38, 1-based): chr3:129,532,539, G>A. VCF-style: chr3-129532539-G-A. GRCh37 (hg19) VCF-style: chr3-129251382-G-A.
Other names: short protein forms A235T.
Identifiers: ClinVar variation 1386051 (VCV001386051.6), dbSNP rs2108750434, ClinGen allele CA354470179.

ClinVar aggregate classification (germline): Uncertain significance (1 of 4 stars; one submission).

Submission:

Labcorp Genetics (formerly Invitae), Labcorp
Classification: Uncertain significance. Last evaluated: 2022-11-08. Review status: criteria provided, single submitter. Criteria: Invitae Variant Classification Sherloc (09022015). Collection method: clinical testing. Allele origin: germline.
Comment: ClinVar contains an entry for this variant (Variation ID: 1386051). This variant has not been reported in the literature in individuals affected with RHO-related conditions. This variant is not present in population databases (gnomAD no frequency). This sequence change replaces alanine, which is neutral and non-polar, with threonine, which is neutral and polar, at codon 235 of the RHO protein (p.Ala235Thr). Advanced modeling of protein sequence and biophysical properties (such as structural, functional, and spatial information, amino acid conservation, physicochemical variation, residue mobility, and thermodynamic stability) performed at Invitae indicates that this missense variant is expected to disrupt RHO protein function. In summary, the available evidence is currently insufficient to determine the role of this variant in disease. Therefore, it has been classified as a Variant of Uncertain Significance.